The following is an entry in ClinVar:

NM_144670.6(A2ML1):c.2083A>C (p.Ser695Arg)

Gene: A2ML1 (alpha-2-macroglobulin like 1; plus strand). Cytogenetic location: 12p13.31.
Variant type: single nucleotide variant.
Coding change: c.2083A>C on transcript NM_144670.6 (MANE Select); coding-DNA position 2083, A replaced by C.
Protein change: p.Ser695Arg; replaces serine 695 with arginine.
Molecular consequence: missense variant.
Genome position (GRCh38, 1-based): chr12:8,849,723, A>C. VCF-style: chr12-8849723-A-C. GRCh37 (hg19) VCF-style: chr12-9002319-A-C.
Other names: c.610A>C, p.Ser204Arg (NM_001282424.3); short protein forms S695R, S204R.
Identifiers: ClinVar variation 2054918 (VCV002054918.4), dbSNP rs1178056137, ClinGen allele CA383831905.
Genomic context (GRCh38, chr12:8,849,723, plus strand): 5'-TATCAGGACGTGGGCCTGAAAATACTGTCCAATGCCAAAATCAAGAAGCCAGTAGATTGC[A>C]GTCACAGATCTCCAGAATACAGCACTGCTATGGGTGGTAAGCCACCTCTGTGGTCTGTGG-3'
Protein context (NP_653271.3, residues 685-705): NAKIKKPVDC[Ser695Arg]HRSPEYSTAM

ClinVar aggregate classification (germline): Uncertain significance (1 of 4 stars; one submission).

Submission:

Labcorp Genetics (formerly Invitae), Labcorp
Classification: Uncertain significance. Last evaluated: 2022-02-02. Review status: criteria provided, single submitter. Criteria: Invitae Variant Classification Sherloc (09022015). Collection method: clinical testing. Allele origin: germline.
Comment: In summary, the available evidence is currently insufficient to determine the role of this variant in disease. Therefore, it has been classified as a Variant of Uncertain Significance. Algorithms developed to predict the effect of missense changes on protein structure and function output the following: SIFT: "Tolerated"; PolyPhen-2: "Benign"; Align-GVGD: "Class C0". The arginine amino acid residue is found in multiple mammalian species, which suggests that this missense change does not adversely affect protein function. This variant has not been reported in the literature in individuals affected with A2ML1-related conditions. This variant is not present in population databases (gnomAD no frequency). This sequence change replaces serine, which is neutral and polar, with arginine, which is basic and polar, at codon 695 of the A2ML1 protein (p.Ser695Arg).